The following is an entry in ClinVar:

NM_002439.5(MSH3):c.754T>C (p.Cys252Arg)

Gene: MSH3 (mutS homolog 3; plus strand). Cytogenetic location: 5q14.1.
Variant type: single nucleotide variant.
Coding change: c.754T>C on transcript NM_002439.5 (MANE Select); coding-DNA position 754, T replaced by C.
Protein change: p.Cys252Arg; replaces cysteine 252 with arginine.
Molecular consequence: missense variant.
Genome position (GRCh38, 1-based): chr5:80,670,271, T>C. VCF-style: chr5-80670271-T-C. GRCh37 (hg19) VCF-style: chr5-79966090-T-C.
Other names: short protein forms C252R.
Identifiers: ClinVar variation 2853545 (VCV002853545.3), dbSNP rs2546721213, ClinGen allele CA360266946.

ClinVar aggregate classification (germline): Uncertain significance (1 of 4 stars; one submission).

Submission:

Labcorp Genetics (formerly Invitae), Labcorp
Classification: Uncertain significance. Last evaluated: 2023-04-08. Review status: criteria provided, single submitter. Criteria: Invitae Variant Classification Sherloc (09022015). Collection method: clinical testing. Allele origin: germline.
Comment: In summary, the available evidence is currently insufficient to determine the role of this variant in disease. Therefore, it has been classified as a Variant of Uncertain Significance. An algorithm developed to predict the effect of missense changes on protein structure and function (PolyPhen-2) suggests that this variant is likely to be disruptive. This variant has not been reported in the literature in individuals affected with MSH3-related conditions. This variant is not present in population databases (gnomAD no frequency). This sequence change replaces cysteine, which is neutral and slightly polar, with arginine, which is basic and polar, at codon 252 of the MSH3 protein (p.Cys252Arg).